The following is an entry in ClinVar:

ClinVar aggregate classification (germline): Uncertain significance (1 of 4 stars; one submission).

Allele frequency attached by ClinVar (database versions not stated): gnomAD exomes 0.00001.
gnomAD v4.1: 8 of 1,614,010 alleles (0.0005%); highest among the groups gnomAD compares: Non-Finnish European, 0.00059%; no homozygotes.

Submission:

Labcorp Genetics (formerly Invitae), Labcorp
Classification: Uncertain significance. Last evaluated: 2022-01-15. Review status: criteria provided, single submitter. Criteria: Invitae Variant Classification Sherloc (09022015). Collection method: clinical testing. Allele origin: germline.
Comment: In summary, the available evidence is currently insufficient to determine the role of this variant in disease. Therefore, it has been classified as a Variant of Uncertain Significance. Algorithms developed to predict the effect of missense changes on protein structure and function are either unavailable or do not agree on the potential impact of this missense change (SIFT: "Tolerated"; PolyPhen-2: "Possibly Damaging"; Align-GVGD: "Class C0"). This variant has not been reported in the literature in individuals affected with POLG2-related conditions. This variant is not present in population databases (gnomAD no frequency). This sequence change replaces alanine, which is neutral and non-polar, with threonine, which is neutral and polar, at codon 111 of the POLG2 protein (p.Ala111Thr).

NM_007215.4(POLG2):c.331G>A (p.Ala111Thr)

Genes: MILR1 (mast cell immunoglobulin like receptor 1; plus strand), POLG2 (DNA polymerase gamma 2, accessory subunit; minus strand). Cytogenetic location: 17q23.3.
Variant type: single nucleotide variant.
Coding change: c.331G>A on transcript NM_007215.4 (MANE Select); coding-DNA position 331, G replaced by A.
Protein change: p.Ala111Thr; replaces alanine 111 with threonine.
Molecular consequence: missense variant.
Genome position (GRCh38, 1-based): chr17:64,496,638, C>T on the plus strand (G>A on the coding strand, the complement: POLG2 is on the minus strand). VCF-style: chr17-64496638-C-T. GRCh37 (hg19) VCF-style: chr17-62492756-C-T.
Other names: short protein forms A111T.
Identifiers: ClinVar variation 2084592 (VCV002084592.4), dbSNP rs2509560701, ClinGen allele CA400641160.